The following is an entry in ClinVar:

NM_006206.6(PDGFRA):c.2166T>C (p.Ile722=)

Gene: PDGFRA (platelet derived growth factor receptor alpha; plus strand). Cytogenetic location: 4q12.
Variant type: single nucleotide variant.
Coding change: c.2166T>C on transcript NM_006206.6 (MANE Select); coding-DNA position 2166, T replaced by C.
Protein change: p.Ile722=; no amino-acid change (isoleucine 722 retained).
Molecular consequence: synonymous variant.
Genome position (GRCh38, 1-based): chr4:54,280,325, T>C. VCF-style: chr4-54280325-T-C. GRCh37 (hg19) VCF-style: chr4-55146492-T-C.
Other names: c.2166T>C, p.Ile722= (NM_001347827.2, NM_001347829.2); c.2241T>C, p.Ile747= (NM_001347828.2); c.2205T>C, p.Ile735= (NM_001347830.2).
Identifiers: ClinVar variation 414507 (VCV000414507.15), dbSNP rs775862761, ClinGen allele CA2922782.
Genomic context (GRCh38, chr4:54,280,325, plus strand): 5'-GACCACTTCAGAAGGGCACCCTGGGTAAGATTTCTCTTTCTGTTTTTACAGCTATGTTAT[T>C]TTATCTTTTGAAAACAATGGTGACTACATGGACATGAAGCAGGCTGATACTACACAGTAT-3'
Protein context (NP_006197.1, residues 712-732): PADESTRSYV[Ile722=]LSFENNGDYM

ClinVar aggregate classification (germline): Benign/Likely benign. Review status: criteria provided, multiple submitters, no conflicts (2 of 4 stars). 3 submissions from 3 submitters: Benign (1); Likely benign (2). Last evaluated 2026-06-17.

Conditions:
Polyps, multiple and recurrent inflammatory fibroid, gastrointestinal. Identifiers: MedGen C5193005, MONDO:0008285, OMIM 175510.
Hereditary cancer-predisposing syndrome. Also called: Neoplastic Syndromes, Hereditary; Hereditary Cancer Syndrome; Hereditary neoplastic syndrome; Tumor predisposition. Identifiers: Orphanet 140162, MedGen C0027672, MeSH D009386, MONDO:0015356.
Gastrointestinal stromal tumor. Also called: Gastrointestinal stroma tumor; Gastrointestinal stromal tumor, somatic. Identifiers: Orphanet 44890, MedGen C0238198, MeSH D046152, MONDO:0011719, OMIM 606764, HP:0100723.

Allele frequency attached by ClinVar (database versions not stated): ExAC 0.00002; TOPMed 0.00002; gnomAD 0.00003; gnomAD exomes below 0.00001 and 0.00001.
gnomAD v4.1: 6 of 1,613,594 alleles (0.00037%); highest among the groups gnomAD compares: African/African-American, 0.0067%; no homozygotes.

Submissions (3):

Myriad Genetics, Inc.
Classification: Benign for Polyps, multiple and recurrent inflammatory fibroid, gastrointestinal. Last evaluated: 2026-06-17. Review status: criteria provided, single submitter. Criteria: Myriad Autosomal Dominant, Autosomal Recessive and X-Linked Classification Criteria (2023). Collection method: clinical testing. Allele origin: unknown.
Comment: This variant is considered benign. This variant is a silent/synonymous amino acid change and it is not expected to impact splicing.

Labcorp Genetics (formerly Invitae), Labcorp
Classification: Likely benign for Gastrointestinal stromal tumor. Last evaluated: 2025-10-07. Review status: criteria provided, single submitter. Criteria: Invitae Variant Classification Sherloc (09022015). Collection method: clinical testing. Allele origin: germline.

Ambry Genetics
Classification: Likely benign for Hereditary cancer-predisposing syndrome. Last evaluated: 2022-07-01. Review status: criteria provided, single submitter. Criteria: Ambry Variant Classification Scheme 2023. Collection method: clinical testing. Allele origin: germline.